The following is an entry in ClinVar:

ClinVar aggregate classification (germline): Uncertain significance (0 of 4 stars; one submission).

Conditions:
NRP2-related disorder. Also called: NRP2-related condition.

Allele frequency attached by ClinVar (database versions not stated): gnomAD 0.00001; TOPMed 0.00002.
gnomAD v4.1: 28 of 1,614,110 alleles (0.0017%); highest among the groups gnomAD compares: Non-Finnish European, 0.002%; no homozygotes.

Submission:

PreventionGenetics, part of Exact Sciences
Classification: Uncertain significance for NRP2-related condition. Last evaluated: 2024-07-23. Review status: no assertion criteria provided. Collection method: clinical testing. Allele origin: germline.
Comment: The NRP2 c.1541C>T variant is predicted to result in the amino acid substitution p.Ala514Val. To our knowledge, this variant has not been reported in the literature or in a large population database, indicating this variant is rare. At this time, the clinical significance of this variant is uncertain due to the absence of conclusive functional and genetic evidence.

NM_003872.3(NRP2):c.1541C>T (p.Ala514Val)

Gene: NRP2 (neuropilin 2; plus strand). Cytogenetic location: 2q33.3.
Variant type: single nucleotide variant.
Coding change: c.1541C>T on transcript NM_003872.3 (MANE Select); coding-DNA position 1541, C replaced by T.
Protein change: p.Ala514Val; replaces alanine 514 with valine.
Molecular consequence: missense variant.
Genome position (GRCh38, 1-based): chr2:205,743,452, C>T. VCF-style: chr2-205743452-C-T. GRCh37 (hg19) VCF-style: chr2-206608176-C-T.
Other names: c.1541C>T, p.Ala514Val (NM_018534.4, NM_201264.2, NM_201266.2 and 2 more transcripts); short protein forms A514V.
Identifiers: ClinVar variation 3031097 (VCV003031097.2), dbSNP rs1363511821, ClinGen allele CA350029157.